The following is an entry in ClinVar:

NM_003183.6(ADAM17):c.316G>A (p.Glu106Lys)

Gene: ADAM17 (ADAM metallopeptidase domain 17; minus strand). Cytogenetic location: 2p25.1.
Variant type: single nucleotide variant.
Coding change: c.316G>A on transcript NM_003183.6 (MANE Select); coding-DNA position 316, G replaced by A.
Protein change: p.Glu106Lys; replaces glutamic acid 106 with lysine.
Molecular consequence: missense variant. On other transcripts: 5 prime UTR variant (2).
Genome position (GRCh38, 1-based): chr2:9,536,743, C>T on the plus strand (G>A on the coding strand, the complement: ADAM17 is on the minus strand). VCF-style: chr2-9536743-C-T. GRCh37 (hg19) VCF-style: chr2-9676872-C-T.
Other names: c.-365G>A (NM_001382777.1); c.-607G>A (NM_001382778.1); short protein forms E106K.
Identifiers: ClinVar variation 945675 (VCV000945675.8), dbSNP rs756840167, ClinGen allele CA1523814.
Genomic context (GRCh38, chr2:9,536,743, plus strand): 5'-AAGCTCCATACTAACCAACCACGTGTCCAGTGAAGAAGTCCTGCCATTTTACAGTGTACT[C>T]GCTTTCGTTTTTACCATCCACCACCACGACCTTGAAATTTTGTGAAAAACGTTCAGTACT-3'
Protein context (NP_003174.3, residues 96-116): VVVVDGKNES[Glu106Lys]YTVKWQDFFT

ClinVar aggregate classification (germline): Uncertain significance (1 of 4 stars; one submission).

Conditions:
Inflammatory skin and bowel disease, neonatal, 1. Identifiers: Orphanet 294023, MedGen C3280501, MONDO:0013693, OMIM 614328.

Allele frequency attached by ClinVar (database versions not stated): gnomAD below 0.00001 and 0.00001; gnomAD exomes below 0.00001; ExAC 0.00001; TOPMed 0.00001.
gnomAD v4.1: 6 of 1,613,942 alleles (0.00037%); highest among the groups gnomAD compares: East Asian, 0.0022%; no homozygotes.

Submission:

Labcorp Genetics (formerly Invitae), Labcorp
Classification: Uncertain significance for Inflammatory skin and bowel disease, neonatal, 1. Last evaluated: 2019-05-14. Review status: criteria provided, single submitter. Criteria: Invitae Variant Classification Sherloc (09022015). Collection method: clinical testing. Allele origin: germline.
Comment: This sequence change replaces glutamic acid with lysine at codon 106 of the ADAM17 protein (p.Glu106Lys). The glutamic acid residue is moderately conserved and there is a small physicochemical difference between glutamic acid and lysine. This variant is present in population databases (rs756840167, ExAC 0.001%). This variant has not been reported in the literature in individuals with ADAM17-related conditions. Algorithms developed to predict the effect of missense changes on protein structure and function (SIFT, PolyPhen-2, Align-GVGD) all suggest that this variant is likely to be tolerated, but these predictions have not been confirmed by published functional studies and their clinical significance is uncertain. In summary, the available evidence is currently insufficient to determine the role of this variant in disease. Therefore, it has been classified as a Variant of Uncertain Significance.